The following is an entry in ClinVar:

ClinVar aggregate classification (germline): Uncertain significance. Review status: criteria provided, multiple submitters, no conflicts (2 of 4 stars). 2 submissions from 2 submitters: Uncertain significance (2). Last evaluated 2023-12-25.

Conditions:
Exostoses, multiple, type 2 (EXT2). Also called: EXOSTOSES, MULTIPLE, TYPE II; Hereditary Multiple Osteochondromatosis, Type II. Identifiers: Orphanet 321, MedGen C1851413, MONDO:0007586, OMIM 133701.
Inborn genetic diseases. Identifiers: MedGen C0950123, MeSH D030342.

Allele frequency attached by ClinVar (database versions not stated): gnomAD 0.00001; gnomAD exomes 0.00001 and 0.00002; TOPMed 0.00001; ExAC 0.00002.
gnomAD v4.1: 35 of 1,613,952 alleles (0.0022%); highest among the groups gnomAD compares: Non-Finnish European, 0.003%; no homozygotes.

Submissions (2):

Labcorp Genetics (formerly Invitae), Labcorp
Classification: Uncertain significance for Exostoses, multiple, type 2. Last evaluated: 2023-12-25. Review status: criteria provided, single submitter. Criteria: Invitae Variant Classification Sherloc (09022015). Collection method: clinical testing. Allele origin: germline.
Comment: This sequence change replaces proline, which is neutral and non-polar, with leucine, which is neutral and non-polar, at codon 420 of the EXT2 protein (p.Pro420Leu). This variant is present in population databases (rs747153343, gnomAD 0.002%). This variant has not been reported in the literature in individuals affected with EXT2-related conditions. ClinVar contains an entry for this variant (Variation ID: 856988). Advanced modeling of protein sequence and biophysical properties (such as structural, functional, and spatial information, amino acid conservation, physicochemical variation, residue mobility, and thermodynamic stability) performed at Invitae indicates that this missense variant is not expected to disrupt EXT2 protein function with a negative predictive value of 80%. In summary, the available evidence is currently insufficient to determine the role of this variant in disease. Therefore, it has been classified as a Variant of Uncertain Significance.

Ambry Genetics
Classification: Uncertain significance for Inborn genetic diseases. Last evaluated: 2023-02-22. Review status: criteria provided, single submitter. Criteria: Ambry Variant Classification Scheme 2023. Collection method: clinical testing. Allele origin: germline.

NM_207122.2(EXT2):c.1259C>T (p.Pro420Leu)

Gene: EXT2 (exostosin glycosyltransferase 2; plus strand). Cytogenetic location: 11p11.2.
Variant type: single nucleotide variant.
Coding change: c.1259C>T on transcript NM_207122.2 (MANE Select); coding-DNA position 1259, C replaced by T.
Protein change: p.Pro420Leu; replaces proline 420 with leucine.
Molecular consequence: missense variant.
Genome position (GRCh38, 1-based): chr11:44,171,696, C>T. VCF-style: chr11-44171696-C-T. GRCh37 (hg19) VCF-style: chr11-44193246-C-T.
Other names: c.1358C>T, p.Pro453Leu (NM_000401.3); c.1289C>T, p.Pro430Leu (NM_001178083.3); c.1259C>T, p.Pro420Leu (NM_001389628.1, NM_001389630.1); short protein forms P420L, P430L, P453L.
Identifiers: ClinVar variation 856988 (VCV000856988.11), dbSNP rs747153343, ClinGen allele CA5955204.
Genomic context (GRCh38, chr11:44,171,696, plus strand): 5'-TCCAGTCAATTAAAGCCATTGCCCTGGCCACCCTGCAGATTATCAATGACCGGATCTATC[C>T]ATATGCTGCCATCTCCTATGAAGAATGGAATGACCCTCCTGCTGTGGTAAGTGAATTCCA-3'
Protein context (NP_997005.1, residues 410-430): TLQIINDRIY[Pro420Leu]YAAISYEEWN